The following is an entry in ClinVar:

ClinVar aggregate classification (germline): Pathogenic (1 of 4 stars; one submission).

Conditions:
Familial adenomatous polyposis 1 (FAP1). Also called: POLYPOSIS, ADENOMATOUS INTESTINAL; FAMILIAL ADENOMATOUS POLYPOSIS 1, ATTENUATED. Identifiers: MedGen C2713442, MONDO:0021056, OMIM 175100. Disease mechanism: loss of function.

Submission:

Labcorp Genetics (formerly Invitae), Labcorp
Classification: Pathogenic for Familial adenomatous polyposis 1. Last evaluated: 2018-08-28. Review status: criteria provided, single submitter. Criteria: Invitae Variant Classification Sherloc (09022015). Collection method: clinical testing. Allele origin: germline.
Comment: This sequence change results in a premature translational stop signal in the APC gene (p.Lys2357*). While this is not anticipated to result in nonsense mediated decay, it is expected to disrupt the last 487 amino acids of the APC protein. This variant is not present in population databases (ExAC no frequency). This variant has not been reported in the literature in individuals with APC-related disease. This variant is expected to disrupt the EB1 and HDLG binding sites, which mediate interactions with the cytoskeleton (PMID: 15311282, 17293347). While functional studies have not been performed to directly test the effect on APC protein function, this suggests that disruption of the C-terminal portion of the protein is functionally important. A different truncation (p.Tyr2645Lysfs*14) that lies downstream of this variant has been determined to be pathogenic (PMID:Â¬â€ 9824584, 1316610, 27081525, 8381579, 22135120, Invitae). This suggests that deletion of this region of the APC protein is causative of disease. For these reasons, this variant has been classified as Pathogenic.

Literature cited by the submitters: PubMed 15311282; PubMed 17293347.

NM_000038.6(APC):c.7069A>T (p.Lys2357Ter)

Gene: APC (APC regulator of Wnt signaling pathway; plus strand). Cytogenetic location: 5q22.2.
Variant type: single nucleotide variant.
Coding change: c.7069A>T on transcript NM_000038.6 (MANE Select); coding-DNA position 7069, A replaced by T.
Protein change: p.Lys2357Ter; replaces lysine 2357 with a stop codon.
Molecular consequence: nonsense.
Genome position (GRCh38, 1-based): chr5:112,842,663, A>T. VCF-style: chr5-112842663-A-T. GRCh37 (hg19) VCF-style: chr5-112178360-A-T.
Other names: c.7069A>T, p.Lys2357Ter (NM_001127510.3, NM_001354895.2); c.7015A>T, p.Lys2339Ter (NM_001127511.3); c.7123A>T, p.Lys2375Ter (NM_001354896.2); c.7099A>T, p.Lys2367Ter (NM_001354897.2); c.6994A>T, p.Lys2332Ter (NM_001354898.2); c.6985A>T, p.Lys2329Ter (NM_001354899.2); c.6946A>T, p.Lys2316Ter (NM_001354900.2); c.6892A>T, p.Lys2298Ter (NM_001354901.2); and 5 more; short protein forms K2074*, K2197*, K2231*, K2367*, K2375*, K2266*, K2329*, K2332*.
Identifiers: ClinVar variation 639574 (VCV000639574.1), dbSNP rs1554087972, ClinGen allele CA16036733.